The following is an entry in ClinVar:

ClinVar aggregate classification (germline): Uncertain significance (1 of 4 stars; one submission).

Conditions:
Hereditary cancer-predisposing syndrome. Also called: Neoplastic Syndromes, Hereditary; Tumor predisposition; Hereditary neoplastic syndrome; Hereditary Cancer Syndrome. Identifiers: Orphanet 140162, MedGen C0027672, MeSH D009386, MONDO:0015356.

Submission:

Ambry Genetics
Classification: Uncertain significance for Hereditary cancer-predisposing syndrome. Last evaluated: 2024-06-12. Review status: criteria provided, single submitter. Criteria: Ambry Variant Classification Scheme 2023. Collection method: clinical testing. Allele origin: germline.
Comment: The p.P326T variant (also known as c.976C>A), located in coding exon 8 of the SUFU gene, results from a C to A substitution at nucleotide position 976. The proline at codon 326 is replaced by threonine, an amino acid with highly similar properties. This amino acid position is conserved. In addition, this alteration is predicted to be tolerated by in silico analysis. Based on the available evidence, the clinical significance of this variant remains unclear.

NM_016169.4(SUFU):c.976C>A (p.Pro326Thr)

Gene: SUFU (SUFU negative regulator of hedgehog signaling; plus strand). Cytogenetic location: 10q24.32.
Variant type: single nucleotide variant.
Coding change: c.976C>A on transcript NM_016169.4 (MANE Select); coding-DNA position 976, C replaced by A.
Protein change: p.Pro326Thr; replaces proline 326 with threonine.
Molecular consequence: missense variant.
Genome position (GRCh38, 1-based): chr10:102,599,498, C>A. VCF-style: chr10-102599498-C-A. GRCh37 (hg19) VCF-style: chr10-104359255-C-A.
Other names: c.976C>A, p.Pro326Thr (NM_001178133.2); short protein forms P326T.
Identifiers: ClinVar variation 3323555 (VCV003323555.1).